The following is an entry in ClinVar:

ClinVar aggregate classification (germline): Pathogenic (1 of 4 stars; one submission).

Conditions:
Retinoblastoma (RB1). Also called: RETINOBLASTOMA, SOMATIC. Identifiers: Orphanet 790, MedGen C0035335, MeSH D012175, MONDO:0008380, OMIM 180200, HP:0009919. Disease mechanism: loss of function. Inheritance: Both sporadic and heritable forms are tested..

Submission:

Genetic Diagnostic Laboratory, University of Pennsylvania School of Medicine
Classification: Pathogenic for Retinoblastoma. Last evaluated: 2024-05-20. Review status: criteria provided, single submitter. Criteria: ACMG Guidelines, 2015. Collection method: clinical testing. Allele origin: germline. Affected: yes. Observed: 2 variant alleles.
Comment: Case and Pedigree Information: BILATERAL CASES:2, UNILATERAL CASES:0, TOTAL CASES:2, PEDIGREES:2. ACMG Codes Applied:PVS1, PM2

NM_000321.3(RB1):c.814A>T (p.Arg272Ter)

Gene: RB1 (RB transcriptional corepressor 1; plus strand). Cytogenetic location: 13q14.2.
Variant type: single nucleotide variant.
Coding change: c.814A>T on transcript NM_000321.3 (MANE Select); coding-DNA position 814, A replaced by T.
Protein change: p.Arg272Ter; replaces arginine 272 with a stop codon.
Molecular consequence: nonsense.
Genome position (GRCh38, 1-based): chr13:48,362,910, A>T. VCF-style: chr13-48362910-A-T. GRCh37 (hg19) VCF-style: chr13-48937046-A-T.
Other names: c.814A>T, p.Arg272Ter (NM_001407165.1, NM_001407166.1); short protein forms R272*.
Identifiers: ClinVar variation 3236927 (VCV003236927.1), dbSNP rs1555284945.
Genomic context (GRCh38, chr13:48,362,910, plus strand): 5'-ACACCCAGGCGAGGTCAGAACAGGAGTGCACGGATAGCAAAACAACTAGAAAATGATACA[A>T]GAATTATTGAAGTTCTCTGTAAAGAACATGAATGTAATATAGATGAGGTAATTTAACTTC-3'